The following is an entry in ClinVar:

ClinVar aggregate classification (germline): Uncertain significance (1 of 4 stars; one submission).

gnomAD v4.1: 2 of 1,569,350 alleles (0.00013%); highest among the groups gnomAD compares: Non-Finnish European, 0.00017%; no homozygotes.

Submission:

Labcorp Genetics (formerly Invitae), Labcorp
Classification: Uncertain significance. Last evaluated: 2022-03-20. Review status: criteria provided, single submitter. Criteria: Invitae Variant Classification Sherloc (09022015). Collection method: clinical testing. Allele origin: germline.
Comment: In summary, the available evidence is currently insufficient to determine the role of this variant in disease. Therefore, it has been classified as a Variant of Uncertain Significance. Variants that disrupt the consensus splice site are a relatively common cause of aberrant splicing (PMID: 17576681, 9536098). Algorithms developed to predict the effect of sequence changes on RNA splicing suggest that this variant is not likely to affect RNA splicing. This variant has not been reported in the literature in individuals affected with TRAPPC9-related conditions. This variant is not present in population databases (gnomAD no frequency). This sequence change falls in intron 22 of the TRAPPC9 gene. It does not directly change the encoded amino acid sequence of the TRAPPC9 protein. It affects a nucleotide within the consensus splice site.

Literature cited by the submitters: PubMed 17576681; PubMed 9536098.

NM_001160372.4(TRAPPC9):c.3279+4C>A

Gene: TRAPPC9 (trafficking protein particle complex subunit 9; minus strand). Cytogenetic location: 8q24.3.
Variant type: single nucleotide variant.
Coding change: c.3279+4C>A on transcript NM_001160372.4 (MANE Select); 4 bases into the intron after coding-DNA position 3279, C replaced by A.
Molecular consequence: intron variant.
Genome position (GRCh38, 1-based): chr8:139,731,975, G>T on the plus strand (C>A on the coding strand, the complement: TRAPPC9 is on the minus strand). VCF-style: chr8-139731975-G-T. GRCh37 (hg19) VCF-style: chr8-140744218-G-T.
Other names: c.3279+4C>A (NM_031466.8); c.3252+4C>A (NM_001321646.2); c.3135+4C>A (NM_001374684.1); c.3168+4C>A (NM_001374683.1); c.3300+4C>A (NM_001374682.1).
Identifiers: ClinVar variation 2115233 (VCV002115233.4), dbSNP rs79877357, ClinGen allele CA2579259435.